The following is an entry in ClinVar:

NM_000064.4(C3):c.1909G>A (p.Gly637Ser)

Gene: C3 (complement C3; minus strand). Cytogenetic location: 19p13.3.
Variant type: single nucleotide variant.
Coding change: c.1909G>A on transcript NM_000064.4 (MANE Select); coding-DNA position 1909, G replaced by A.
Protein change: p.Gly637Ser; replaces glycine 637 with serine.
Molecular consequence: missense variant.
Genome position (GRCh38, 1-based): chr19:6,707,866, C>T on the plus strand (G>A on the coding strand, the complement: C3 is on the minus strand). VCF-style: chr19-6707866-C-T. GRCh37 (hg19) VCF-style: chr19-6707877-C-T.
Other names: short protein forms G637S.
Identifiers: ClinVar variation 1906694 (VCV001906694.6), dbSNP rs149850773, ClinGen allele CA9129276.
Genomic context (GRCh38, chr19:6,707,866, plus strand): 5'-TCTGGGCGGTCTGCTGGCCACTGCTGCTCGTGAAGGTCAGCCCTGCGTCGGAGAAGACAC[C>T]GGCGTAATCCTTCCCACTGCCCGGGGTGCAGCCGATGTCTGCCTTCTCCACCACGTCCCA-3'
Protein context (NP_000055.2, residues 627-647): CTPGSGKDYA[Gly637Ser]VFSDAGLTFT

ClinVar aggregate classification (germline): Uncertain significance. Review status: criteria provided, multiple submitters, no conflicts (2 of 4 stars). 2 submissions from 2 submitters: Uncertain significance (2). Last evaluated 2023-12-26.

Conditions:
Age related macular degeneration 9. Identifiers: MedGen C1969651, MONDO:0012659, OMIM 611378.
Atypical hemolytic-uremic syndrome with C3 anomaly. Also called: AHUS, SUSCEPTIBILITY TO, 5. Identifiers: Orphanet 2134, MedGen C2752037, MONDO:0013043, OMIM 612925.
Complement component 3 deficiency. Identifiers: Orphanet 280133, MedGen C3151071, MONDO:0013417, OMIM 613779.

gnomAD v4.1: 11 of 1,613,964 alleles (0.00068%); highest among the groups gnomAD compares: Admixed American, 0.0017%; no homozygotes.

Submissions (2):

Fulgent Genetics
Classification: Uncertain significance for Age related macular degeneration 9; Atypical hemolytic-uremic syndrome with C3 anomaly; Complement component 3 deficiency. Last evaluated: 2023-12-26. Review status: criteria provided, single submitter. Criteria: ACMG Guidelines, 2015. Collection method: clinical testing. Allele origin: germline.

Labcorp Genetics (formerly Invitae), Labcorp
Classification: Uncertain significance. Last evaluated: 2022-05-30. Review status: criteria provided, single submitter. Criteria: Invitae Variant Classification Sherloc (09022015). Collection method: clinical testing. Allele origin: germline.
Comment: In summary, the available evidence is currently insufficient to determine the role of this variant in disease. Therefore, it has been classified as a Variant of Uncertain Significance. This sequence change replaces glycine, which is neutral and non-polar, with serine, which is neutral and polar, at codon 637 of the C3 protein (p.Gly637Ser). This variant is present in population databases (rs149850773, gnomAD 0.006%). This variant has not been reported in the literature in individuals affected with C3-related conditions. Algorithms developed to predict the effect of missense changes on protein structure and function are either unavailable or do not agree on the potential impact of this missense change (SIFT: "Deleterious"; PolyPhen-2: "Benign"; Align-GVGD: "Class C0").